The following is an entry in ClinVar:

ClinVar aggregate classification (germline): Pathogenic (1 of 4 stars; one submission).

Conditions:
Sotos syndrome (SOTOS). Also called: Sotos' syndrome; CHROMOSOME 5q35 DELETION SYNDROME; SOTOS SYNDROME 1; Distinctive facial appearance, overgrowth in childhood, and learning disabilities or delayed development; CEREBRAL GIGANTISM. Identifiers: Orphanet 821, MedGen C0175695, MONDO:0019349, OMIM 117550.

Submission:

Baylor Genetics
Classification: Pathogenic for Sotos syndrome. Last evaluated: 2019-09-16. Review status: criteria provided, single submitter. Criteria: ACMG Guidelines, 2015. Collection method: clinical testing. Allele origin: de novo. Affected: yes.
Comment: This variant was determined to be pathogenic according to ACMG Guidelines, 2015 [PMID:25741868].

NM_022455.5(NSD1):c.4378+1G>T

Gene: NSD1 (nuclear receptor binding SET domain protein 1; plus strand). Cytogenetic location: 5q35.3.
Variant type: single nucleotide variant.
Coding change: c.4378+1G>T on transcript NM_022455.5 (MANE Select); the canonical splice donor site of the intron after coding-DNA position 4378, G replaced by T.
Molecular consequence: splice donor variant.
Genome position (GRCh38, 1-based): chr5:177,244,271, G>T. VCF-style: chr5-177244271-G-T. GRCh37 (hg19) VCF-style: chr5-176671272-G-T.
Other names: c.4378+1G>T (NM_001409301.1, NM_001409302.1, NM_001409303.1); c.3958+1G>T (NM_001409304.1); c.3625+1G>T (NM_001409305.1); c.3505+1G>T (NM_001409306.1, NM_001409308.1, NM_001409307.1 and 3 more transcripts).
Identifiers: ClinVar variation 1028263 (VCV001028263.2), dbSNP rs587784115, ClinGen allele CA362346865.